The following is an entry in ClinVar:

NM_018006.5(TRMU):c.234G>A (p.Trp78Ter)

Gene: TRMU (tRNA mitochondrial 2-thiouridylase; plus strand). Cytogenetic location: 22q13.31.
Variant type: single nucleotide variant.
Coding change: c.234G>A on transcript NM_018006.5 (MANE Select); coding-DNA position 234, G replaced by A.
Protein change: p.Trp78Ter; replaces tryptophan 78 with a stop codon.
Molecular consequence: nonsense. On other transcripts: 5 prime UTR variant (3), non-coding transcript variant (2).
Genome position (GRCh38, 1-based): chr22:46,337,930, G>A. VCF-style: chr22-46337930-G-A. GRCh37 (hg19) VCF-style: chr22-46733827-G-A.
Other names: c.234G>A (NM_018006.4); c.234G>A, p.Trp78Ter (NM_001008568.2, NM_001008570.2, NM_001282785.2); c.-2G>A (NM_001282782.2); c.-21G>A (NM_001282783.2, NM_001282784.2); short protein forms W78*.
Identifiers: ClinVar variation 2867364 (VCV002867364.5), dbSNP rs2078022380, ClinGen allele CA411940484.
Genomic context (GRCh38, chr22:46,337,930, plus strand): 5'-CAGAGTTTGCCAGATCTTAGACATCCCTTTCCATCAAGTGTCCTACGTAAAGGAGTATTG[G>A]AATGATGTGTTCAGGTGAGTGCGGGTCACAGCACAAAGGAAGCTTCCTCACACTGTGGAT-3'

ClinVar aggregate classification (germline): Pathogenic/Likely pathogenic. Review status: criteria provided, multiple submitters, no conflicts (2 of 4 stars). 3 submissions from 3 submitters: Pathogenic (1); Likely pathogenic (2). Last evaluated 2024-07-30.

Conditions:
Aminoglycoside-induced deafness. Also called: MT-RNR1-Related Hearing Loss and Deafness; STREPTOMYCIN OTOTOXICITY; DEAFNESS, STREPTOMYCIN-INDUCED. Identifiers: Orphanet 168609, MedGen C1838854, MONDO:0010799, OMIM 580000.
Acute infantile liver failure due to synthesis defect of mtDNA-encoded proteins. Also called: LIVER FAILURE, INFANTILE, TRANSIENT; Liver failure acute infantile; TRMU Deficiency. Identifiers: Orphanet 217371, MedGen C3278664, MONDO:0013111, OMIM 613070.

Submissions (3):

Natera, Inc.
Classification: Likely pathogenic for Acute infantile liver failure due to synthesis defect of mtDNA-encoded proteins. Last evaluated: 2024-07-30. Review status: criteria provided, single submitter. Criteria: Natera Variant Classification Schema (03/2026). Collection method: clinical testing. Allele origin: germline.
Comment: The c.234G>A variant in TRMU is a nonsense variant predicted to introduce a stop codon at amino acid 78. This variant is expected to result in nonsense mediated decay, truncation, or a dysfunctional protein product. This variant is rare in the general population with a frequency below the threshold expected for the associated phenotype(s). Given the available evidence, this variant is classified as Likely Pathogenic.

Fulgent Genetics
Classification: Likely pathogenic for Aminoglycoside-induced deafness; Acute infantile liver failure due to synthesis defect of mtDNA-encoded proteins. Last evaluated: 2024-06-05. Review status: criteria provided, single submitter. Criteria: ACMG Guidelines, 2015. Collection method: clinical testing. Allele origin: germline.

Labcorp Genetics (formerly Invitae), Labcorp
Classification: Pathogenic. Last evaluated: 2023-10-25. Review status: criteria provided, single submitter. Criteria: Invitae Variant Classification Sherloc (09022015). Collection method: clinical testing. Allele origin: germline.
Comment: This sequence change creates a premature translational stop signal (p.Trp78*) in the TRMU gene. It is expected to result in an absent or disrupted protein product. Loss-of-function variants in TRMU are known to be pathogenic (PMID: 19732863, 23625533). This variant is not present in population databases (gnomAD no frequency). This variant has not been reported in the literature in individuals affected with TRMU-related conditions. Algorithms developed to predict the effect of sequence changes on RNA splicing suggest that this variant may disrupt the consensus splice site. For these reasons, this variant has been classified as Pathogenic.

Literature cited by the submitters: PubMed 19732863 (cited by Labcorp Genetics (formerly Invitae), Labcorp); PubMed 23625533 (cited by Labcorp Genetics (formerly Invitae), Labcorp).